The following is an entry in ClinVar:

NM_001142285.2(RPS24):c.634G>A (p.Glu212Lys)

Gene: RPS24 (ribosomal protein S24; plus strand). Cytogenetic location: 10q22.3.
Variant type: single nucleotide variant.
Coding change: c.634G>A on transcript NM_001142285.2; coding-DNA position 634, G replaced by A.
Protein change: p.Glu212Lys; replaces glutamic acid 212 with lysine.
Molecular consequence: missense variant.
Genome position (GRCh38, 1-based): chr10:78,054,774, G>A. VCF-style: chr10-78054774-G-A. GRCh37 (hg19) VCF-style: chr10-79814532-G-A.
Other names: short protein forms E212K.
Identifiers: ClinVar variation 1800511 (VCV001800511.1), dbSNP rs753571981, ClinGen allele CA5572099.
Genomic context (GRCh38, chr10:78,054,774, plus strand): 5'-GTGGCCGTTACCTGGAGGAAGACTGAAAACAGAGAACAGTGCTGCCAGGCGTGCCTTTTG[G>A]AGAGGGCACTGGTCAGAAACGGAGCCTTCATGTCGCCTGCCTCACCTGCTCCTGCTGGTT-3'

ClinVar aggregate classification (germline): Uncertain significance (1 of 4 stars; one submission).

Allele frequency attached by ClinVar (database versions not stated): gnomAD exomes 0.00004; TOPMed 0.00004; ExAC 0.00005; gnomAD 0.00003.
gnomAD v4.1: 52 of 1,551,540 alleles (0.0034%); highest among the groups gnomAD compares: Admixed American, 0.0098%; no homozygotes.

Submission:

GeneDx
Classification: Uncertain significance. Last evaluated: 2022-05-17. Review status: criteria provided, single submitter. Criteria: GeneDx Variant Classification Process June 2021. Collection method: clinical testing. Allele origin: germline. Affected: yes.
Comment: In silico analysis supports that this missense variant does not alter protein structure/function; Has not been previously published as pathogenic or benign to our knowledge